The following is an entry in ClinVar:

ClinVar aggregate classification (germline): Uncertain significance. Review status: criteria provided, multiple submitters, no conflicts (2 of 4 stars). 2 submissions from 2 submitters: Uncertain significance (2). Last evaluated 2025-04-14.

Conditions:
Inborn genetic diseases. Identifiers: MedGen C0950123, MeSH D030342.

Submissions (2):

Labcorp Genetics (formerly Invitae), Labcorp
Classification: Uncertain significance. Last evaluated: 2025-04-14. Review status: criteria provided, single submitter. Criteria: Invitae Variant Classification Sherloc (09022015). Collection method: clinical testing. Allele origin: germline.
Comment: This sequence change replaces proline, which is neutral and non-polar, with arginine, which is basic and polar, at codon 204 of the CFP protein (p.Pro204Arg). This variant is present in population databases (rs8177076, gnomAD 0.05%), and has an allele count higher than expected for a pathogenic variant. This variant has not been reported in the literature in individuals affected with CFP-related conditions. ClinVar contains an entry for this variant (Variation ID: 3491577). Invitae Evidence Modeling of protein sequence and biophysical properties (such as structural, functional, and spatial information, amino acid conservation, physicochemical variation, residue mobility, and thermodynamic stability) indicates that this missense variant is not expected to disrupt CFP protein function with a negative predictive value of 80%. In summary, the available evidence is currently insufficient to determine the role of this variant in disease. Therefore, it has been classified as a Variant of Uncertain Significance.

Ambry Genetics
Classification: Uncertain significance for Inborn genetic diseases. Last evaluated: 2024-10-20. Review status: criteria provided, single submitter. Criteria: Ambry Variant Classification Scheme 2023. Collection method: clinical testing. Allele origin: germline.

NM_001145252.3(CFP):c.611C>G (p.Pro204Arg)

Gene: CFP (complement factor properdin; minus strand). Cytogenetic location: Xp11.23.
Variant type: single nucleotide variant.
Coding change: c.611C>G on transcript NM_001145252.3 (MANE Select); coding-DNA position 611, C replaced by G.
Protein change: p.Pro204Arg; replaces proline 204 with arginine.
Molecular consequence: missense variant.
Genome position (GRCh38, 1-based): chrX:47,627,296, G>C on the plus strand (C>G on the coding strand, the complement: CFP is on the minus strand). VCF-style: chrX-47627296-G-C. GRCh37 (hg19) VCF-style: chrX-47486695-G-C.
Other names: c.611C>G, p.Pro204Arg (NM_002621.2); short protein forms P204R.
Identifiers: ClinVar variation 3491577 (VCV003491577.2).